The following is an entry in ClinVar:

ClinVar aggregate classification (germline): Likely pathogenic (1 of 4 stars; one submission).

Conditions:
LAMA2-related muscular dystrophy (LAMA2-RD). Also called: Laminin alpha 2-related dystrophy. Identifiers: MedGen C5679788, MONDO:0100228.

Submission:

Myriad Genetics, Inc.
Classification: Likely pathogenic for LAMA2-related muscular dystrophy. Last evaluated: 2022-05-01. Review status: criteria provided, single submitter. Criteria: Myriad Autosomal Dominant, Autosomal Recessive and X-Linked Classification Criteria (2023). Collection method: clinical testing. Allele origin: unknown.
Comment: NM_000426.3(LAMA2):c.7583_7584delCA(T2528Sfs*2) is expected to be pathogenic in the context of muscular dystrophy, LAMA2-related. This variant is predicted to lead to an abnormal or absent protein product due to the creation of a premature termination codon in LAMA2, a gene where loss-of-function variants are known to be pathogenic. Please note: this variant was assessed in the context of healthy population screening.

NM_000426.4(LAMA2):c.7583_7584del (p.Thr2528fs)

Gene: LAMA2 (laminin subunit alpha 2; plus strand). Cytogenetic location: 6q22.33.
Variant type: Microsatellite.
Coding change: c.7583_7584del on transcript NM_000426.4 (MANE Select); coding-DNA positions 7583 to 7584, 2 bases deleted (CA; older notation c.7583_7584delCA).
Protein change: p.Thr2528fs; shifts the reading frame from threonine 2528.
Molecular consequence: frameshift variant.
Genome position (GRCh38, 1-based): chr6:129,481,273-129,481,274, CA deleted; deleting any 2 consecutive bases within chr6:129,481,270-129,481,274 gives the same sequence; the c. name uses the placement nearest the transcript's 3' end. VCF-style (leftmost placement, unchanged base first): chr6-129481269-TAC-T. GRCh37 (hg19) VCF-style: chr6-129802414-TAC-T.
Other names: c.7571_7572del, p.Thr2524fs (NM_001079823.2); short protein forms T2524fs, T2528fs.
Identifiers: ClinVar variation 1725998 (VCV001725998.3), dbSNP rs2533477745, ClinGen allele CA2580615767.